The following is an entry in ClinVar:

NM_006421.5(ARFGEF1):c.4435G>A (p.Asp1479Asn)

Gene: ARFGEF1 (ARF guanine nucleotide exchange factor 1; minus strand). Cytogenetic location: 8q13.2.
Variant type: single nucleotide variant.
Coding change: c.4435G>A on transcript NM_006421.5 (MANE Select); coding-DNA position 4435, G replaced by A.
Protein change: p.Asp1479Asn; replaces aspartic acid 1479 with asparagine.
Molecular consequence: missense variant. On other transcripts: non-coding transcript variant (1).
Genome position (GRCh38, 1-based): chr8:67,218,042, C>T on the plus strand (G>A on the coding strand, the complement: ARFGEF1 is on the minus strand). VCF-style: chr8-67218042-C-T. GRCh37 (hg19) VCF-style: chr8-68130277-C-T.
Other names: c.4435G>A, p.Asp1479Asn (NM_001413184.1, NM_001413185.1, NM_001413186.1 and 5 more transcripts); c.3835G>A, p.Asp1279Asn (NM_001413188.1, NM_001413193.1, NM_001413197.1); c.4429G>A, p.Asp1477Asn (NM_001413190.1); c.3010G>A, p.Asp1004Asn (NM_001413196.1); short protein forms D1004N, D1279N, D1477N, D1479N.
Identifiers: ClinVar variation 3359575 (VCV003359575.1).

ClinVar aggregate classification (germline): Uncertain significance (1 of 4 stars; one submission).

gnomAD v4.1: 1 of 1,611,706 alleles (0.000062%); highest among the groups gnomAD compares: Non-Finnish European, 0.000085%; no homozygotes.

Submission:

GeneDx
Classification: Uncertain significance. Last evaluated: 2023-12-27. Review status: criteria provided, single submitter. Criteria: GeneDx Variant Classification Process June 2021. Collection method: clinical testing. Allele origin: germline. Affected: yes.
Comment: Not observed at significant frequency in large population cohorts (gnomAD); In silico analysis supports that this missense variant does not alter protein structure/function; Has not been previously published as pathogenic or benign to our knowledge